The following is an entry in ClinVar:

ClinVar aggregate classification (germline): Uncertain significance (1 of 4 stars; one submission).

Conditions:
Wiskott-Aldrich syndrome 2 (WAS2). Also called: WIPF1 DEFICIENCY. Identifiers: Orphanet 906, MedGen C3281001, MONDO:0013779, OMIM 614493.

Allele frequency attached by ClinVar (database versions not stated): gnomAD 0.00005 and 0.00009; gnomAD exomes 0.00005 and 0.00015; ESP Exome Variant Server 0.00008; TOPMed 0.00009; ExAC 0.00012; 1000 Genomes Project 30x 0.00016; 1000 Genomes Project 0.00020.
gnomAD v4.1: 85 of 1,613,810 alleles (0.0053%); highest among the groups gnomAD compares: East Asian, 0.071%; no homozygotes.

Submission:

Labcorp Genetics (formerly Invitae), Labcorp
Classification: Uncertain significance for Wiskott-Aldrich syndrome 2. Last evaluated: 2022-07-15. Review status: criteria provided, single submitter. Criteria: Invitae Variant Classification Sherloc (09022015). Collection method: clinical testing. Allele origin: germline.
Comment: This sequence change replaces asparagine, which is neutral and polar, with serine, which is neutral and polar, at codon 19 of the WIPF1 protein (p.Asn19Ser). This variant is present in population databases (rs369103774, gnomAD 0.2%). This variant has not been reported in the literature in individuals affected with WIPF1-related conditions. ClinVar contains an entry for this variant (Variation ID: 1445223). Algorithms developed to predict the effect of missense changes on protein structure and function are either unavailable or do not agree on the potential impact of this missense change (SIFT: "Not Available"; PolyPhen-2: "Probably Damaging"; Align-GVGD: "Not Available"). Algorithms developed to predict the effect of sequence changes on RNA splicing suggest that this variant may create or strengthen a splice site. In summary, the available evidence is currently insufficient to determine the role of this variant in disease. Therefore, it has been classified as a Variant of Uncertain Significance.

NM_001375834.1(WIPF1):c.56A>G (p.Asn19Ser)

Genes: WIPF1 (WAS/WASL interacting protein family member 1; minus strand), WIPF1-AS1 (WIPF1 and CHRNA1 antisense RNA 1; plus strand). Cytogenetic location: 2q31.1.
Variant type: single nucleotide variant.
Coding change: c.56A>G on transcript NM_001375834.1 (MANE Select); coding-DNA position 56, A replaced by G.
Protein change: p.Asn19Ser; replaces asparagine 19 with serine.
Molecular consequence: missense variant.
Genome position (GRCh38, 1-based): chr2:174,581,435, T>C on the plus strand (A>G on the coding strand, the complement: WIPF1 is on the minus strand). VCF-style: chr2-174581435-T-C. GRCh37 (hg19) VCF-style: chr2-175446163-T-C.
Other names: c.56A>G, p.Asn19Ser (NM_001077269.1, NM_001375832.1, NM_001375833.1 and 6 more transcripts); short protein forms N19S.
Identifiers: ClinVar variation 1445223 (VCV001445223.3), dbSNP rs369103774, ClinGen allele CA1974239.